The following is an entry in ClinVar:

NM_021008.4(DEAF1):c.1210G>T (p.Ala404Ser)

Gene: DEAF1 (DEAF1 transcription factor; minus strand). Cytogenetic location: 11p15.5.
Variant type: single nucleotide variant.
Coding change: c.1210G>T on transcript NM_021008.4 (MANE Select); coding-DNA position 1210, G replaced by T.
Protein change: p.Ala404Ser; replaces alanine 404 with serine.
Molecular consequence: missense variant.
Genome position (GRCh38, 1-based): chr11:678,739, C>A on the plus strand (G>T on the coding strand, the complement: DEAF1 is on the minus strand). VCF-style: chr11-678739-C-A. GRCh37 (hg19) VCF-style: chr11-678739-C-A.
Other names: c.1210G>T (NM_021008.2); c.943G>T, p.Ala315Ser (NM_001293634.2); c.484G>T, p.Ala162Ser (NM_001367390.1); short protein forms A162S, A315S, A404S.
Identifiers: ClinVar variation 3063717 (VCV003063717.2), dbSNP rs908349407, ClinGen allele CA216903042.
Genomic context (GRCh38, chr11:678,739, plus strand): 5'-TTCTTTCAAACCTACCTATTTTGGGATGTGACGTTGGCAACGCAGCTTCTGGAAACGGTG[C>A]GATCTGGCAGCTGTCCTGATAGCCGGGGTAGTGAGGCTCAGGGTGGCTGGCCCTGCATGG-3'
Protein context (NP_066288.2, residues 394-414): YPGYQDSCQI[Ala404Ser]PFPEAALPTS

ClinVar aggregate classification (germline): Uncertain significance. Review status: criteria provided, multiple submitters, no conflicts (2 of 4 stars). 2 submissions from 2 submitters: Uncertain significance (2). Last evaluated 2024-01-30.

gnomAD v4.1: 3 of 1,614,130 alleles (0.00019%); highest among the groups gnomAD compares: Non-Finnish European, 0.00025%; no homozygotes.

Submissions (2):

Women's Health and Genetics/Laboratory Corporation of America, LabCorp
Classification: Uncertain significance. Last evaluated: 2024-01-30. Review status: criteria provided, single submitter. Criteria: LabCorp Variant Classification Summary - May 2015. Collection method: clinical testing. Allele origin: germline.
Comment: Variant summary: DEAF1 c.1210G>T (p.Ala404Ser) results in a conservative amino acid change in the encoded protein sequence. Five of five in-silico tools predict a benign effect of the variant on protein function. The variant allele was found at a frequency of 2.1e-06 in 1461818 control chromosomes (i.e., 3 alleles, no homozygotes; gnomAD v4.0.0). The available data on variant occurrences in the general population are insufficient to allow any conclusion about variant significance. To our knowledge, no occurrence of c.1210G>T in individuals affected with Mental Retardation, Autosomal Dominant 24 and no experimental evidence demonstrating its impact on protein function have been reported. No submitters have reported clinical-significance assessments for this variant to ClinVar. Based on the evidence outlined above, the variant was classified as uncertain significance.

GeneDx
Classification: Uncertain significance. Last evaluated: 2023-06-16. Review status: criteria provided, single submitter. Criteria: GeneDx Variant Classification Process June 2021. Collection method: clinical testing. Allele origin: germline. Affected: yes.
Comment: Not observed at significant frequency in large population cohorts (gnomAD); In silico analysis supports that this missense variant does not alter protein structure/function; Has not been previously published as pathogenic or benign to our knowledge